The following is an entry in ClinVar:

NM_000077.5(CDKN2A):c.465C>T (p.Pro155=)

Gene: CDKN2A (cyclin dependent kinase inhibitor 2A; minus strand). Cytogenetic location: 9p21.3.
Variant type: single nucleotide variant.
Coding change: c.465C>T on transcript NM_000077.5; coding-DNA position 465, C replaced by T.
Protein change: p.Pro155=; no amino-acid change (proline 155 retained).
Molecular consequence: synonymous variant (on NM_000077.6). On other transcripts: 3 prime UTR variant (3).
Genome position (GRCh38, 1-based): chr9:21,968,235, G>A on the plus strand (C>T on the coding strand, the complement: CDKN2A is on the minus strand). VCF-style: chr9-21968235-G-A. GRCh37 (hg19) VCF-style: chr9-21968234-G-A.
Other names: c.465C>T, p.Pro155= (NM_000077.6); c.*158C>T (NM_001195132.2); c.312C>T, p.Pro104= (NM_001363763.2); c.*109C>T (NM_058195.4); c.*388C>T (NM_058197.5).
Identifiers: ClinVar variation 463508 (VCV000463508.16), dbSNP rs1471079871, ClinGen allele CA373085064.

ClinVar aggregate classification (germline): Benign/Likely benign. Review status: criteria provided, multiple submitters, no conflicts (2 of 4 stars). 4 submissions from 4 submitters: Benign (1); Likely benign (3). Last evaluated 2025-09-04.

Conditions:
Hereditary cancer-predisposing syndrome. Also called: Hereditary neoplastic syndrome; Neoplastic Syndromes, Hereditary; Hereditary Cancer Syndrome; Tumor predisposition. Identifiers: Orphanet 140162, MedGen C0027672, MeSH D009386, MONDO:0015356.
Melanoma-pancreatic cancer syndrome. Identifiers: Orphanet 404560, MedGen C1838547, MONDO:0011713, OMIM 606719. Disease mechanism: loss of function.
Familial melanoma. Also called: Hereditary melanoma; Hereditary cutaneous melanoma. Identifiers: Orphanet 618, MedGen C1512419, MONDO:0018961.

Allele frequency attached by ClinVar (database versions not stated): gnomAD exomes below 0.00001; TOPMed below 0.00001.

Submissions (4):

Labcorp Genetics (formerly Invitae), Labcorp
Classification: Likely benign for Familial melanoma. Last evaluated: 2025-09-04. Review status: criteria provided, single submitter. Criteria: Invitae Variant Classification Sherloc (09022015). Collection method: clinical testing. Allele origin: germline.

Myriad Genetics, Inc.
Classification: Benign for Melanoma-pancreatic cancer syndrome. Last evaluated: 2025-08-20. Review status: criteria provided, single submitter. Criteria: Myriad Autosomal Dominant, Autosomal Recessive and X-Linked Classification Criteria (2023). Collection method: clinical testing. Allele origin: unknown.
Comment: This variant is considered benign. This variant is a silent/synonymous amino acid change and it is not expected to impact splicing.

Ambry Genetics
Classification: Likely benign for Hereditary cancer-predisposing syndrome. Last evaluated: 2019-10-30. Review status: criteria provided, single submitter. Criteria: Ambry Variant Classification Scheme 2023. Collection method: clinical testing. Allele origin: germline.

Color Diagnostics, LLC DBA Color Health
Classification: Likely benign for Hereditary cancer-predisposing syndrome. Last evaluated: 2018-05-30. Review status: criteria provided, single submitter. Criteria: ACMG Guidelines, 2015. Collection method: clinical testing. Allele origin: germline.